The following is an entry in ClinVar:

ClinVar aggregate classification (germline): Uncertain significance (1 of 4 stars; one submission).

Conditions:
CASP10-related disorder. Also called: CASP10-related condition.

Submission:

PreventionGenetics, part of Exact Sciences
Classification: Uncertain significance for CASP10-related condition. Last evaluated: 2023-05-11. Review status: criteria provided, single submitter. Criteria: ACMG Guidelines, 2015. Collection method: clinical testing. Allele origin: germline.
Comment: The CASP10 c.466C>G variant is predicted to result in the amino acid substitution p.Leu156Val. To our knowledge, this variant has not been reported in the literature or in a large population database, indicating this variant is rare. At this time, the clinical significance of this variant is uncertain due to the absence of conclusive functional and genetic evidence.

NM_032977.4(CASP10):c.466C>G (p.Leu156Val)

Gene: CASP10 (caspase 10; plus strand). Cytogenetic location: 2q33.1.
Variant type: single nucleotide variant.
Coding change: c.466C>G on transcript NM_032977.4 (MANE Select); coding-DNA position 466, C replaced by G.
Protein change: p.Leu156Val; replaces leucine 156 with valine.
Molecular consequence: missense variant.
Genome position (GRCh38, 1-based): chr2:201,193,008, C>G. VCF-style: chr2-201193008-C-G. GRCh37 (hg19) VCF-style: chr2-202057731-C-G.
Other names: c.466C>G, p.Leu156Val (NM_001206524.2, NM_001206542.2, NM_001230.5 and 3 more transcripts); short protein forms L156V.
Identifiers: ClinVar variation 2632930 (VCV002632930.1), dbSNP rs2469385193, ClinGen allele CA350278673.